The following is an entry in ClinVar:

NM_000088.4(COL1A1):c.3763C>T (p.Pro1255Ser)

Gene: COL1A1 (collagen type I alpha 1 chain; minus strand). Cytogenetic location: 17q21.33.
Variant type: single nucleotide variant.
Coding change: c.3763C>T on transcript NM_000088.4 (MANE Select); coding-DNA position 3763, C replaced by T.
Protein change: p.Pro1255Ser; replaces proline 1255 with serine.
Molecular consequence: missense variant.
Genome position (GRCh38, 1-based): chr17:50,186,691, G>A on the plus strand (C>T on the coding strand, the complement: COL1A1 is on the minus strand). VCF-style: chr17-50186691-G-A. GRCh37 (hg19) VCF-style: chr17-48264052-G-A.
Other names: short protein forms P1255S.
Identifiers: ClinVar variation 3634717 (VCV003634717.3).

ClinVar aggregate classification (germline): Uncertain significance. Review status: criteria provided, multiple submitters, no conflicts (2 of 4 stars). 2 submissions from 2 submitters: Uncertain significance (2). Last evaluated 2024-10-22.

Conditions:
Osteogenesis imperfecta type I (OI1). Also called: Lobstein's Disease; Lobstein disease; Classic Non-deforming Osteogenesis Imperfecta with Blue Sclerae; OI, TYPE I; OSTEOGENESIS IMPERFECTA TARDA; OSTEOGENESIS IMPERFECTA WITH BLUE SCLERAE. Identifiers: Orphanet 216796, Orphanet 666, MedGen C0023931, MONDO:0008146, OMIM 166200. Disease mechanism: loss of function.

Submissions (2):

GeneDx
Classification: Uncertain significance. Last evaluated: 2024-10-22. Review status: criteria provided, single submitter. Criteria: GeneDx Variant Classification Process June 2021. Collection method: clinical testing. Allele origin: germline. Affected: yes.
Comment: Not observed at significant frequency in large population cohorts (gnomAD); In silico analysis supports that this missense variant has a deleterious effect on protein structure/function; Has not been previously published as pathogenic or benign to our knowledge; Not located in the triple helical region, where the majority of pathogenic missense variants occur (HGMD)

Labcorp Genetics (formerly Invitae), Labcorp
Classification: Uncertain significance for Osteogenesis imperfecta type I. Last evaluated: 2024-08-12. Review status: criteria provided, single submitter. Criteria: Invitae Variant Classification Sherloc (09022015). Collection method: clinical testing. Allele origin: germline.
Comment: This sequence change replaces proline, which is neutral and non-polar, with serine, which is neutral and polar, at codon 1255 of the COL1A1 protein (p.Pro1255Ser). This variant is not present in population databases (gnomAD no frequency). This variant has not been reported in the literature in individuals affected with COL1A1-related conditions. Advanced modeling of protein sequence and biophysical properties (such as structural, functional, and spatial information, amino acid conservation, physicochemical variation, residue mobility, and thermodynamic stability) performed at Invitae indicates that this missense variant is expected to disrupt COL1A1 protein function with a positive predictive value of 95%. In summary, the available evidence is currently insufficient to determine the role of this variant in disease. Therefore, it has been classified as a Variant of Uncertain Significance.